The following is an entry in ClinVar:

NM_003179.3(SYP):c.103-1G>A

Gene: SYP (synaptophysin; minus strand). Cytogenetic location: Xp11.23.
Variant type: single nucleotide variant.
Coding change: c.103-1G>A on transcript NM_003179.3 (MANE Select); the canonical splice acceptor site of the intron before coding-DNA position 103, G replaced by A.
Molecular consequence: splice acceptor variant.
Genome position (GRCh38, 1-based): chrX:49,197,840, C>T on the plus strand (G>A on the coding strand, the complement: SYP is on the minus strand). VCF-style: chrX-49197840-C-T. GRCh37 (hg19) VCF-style: chrX-49054299-C-T.
Identifiers: ClinVar variation 4531323 (VCV004531323.1).
Genomic context (GRCh38, chrX:49,197,840, plus strand): 5'-GCTCAGCTGGAGCTCCCCACTGTAGCTGCCGCATGTGGCAAAGGCGAAGATGGCGAAGAC[C>T]TTGGGCAGCAGGGATGGGGATGGCCACAGTGAACCTGTGTGCATGTGGGAGGGAGGTGCC-3'

ClinVar aggregate classification (germline): Likely pathogenic (1 of 4 stars; one submission).

Conditions:
Intellectual developmental disorder, X-linked 96. Also called: Intellectual disability, X-linked 96. Identifiers: Orphanet 777, MedGen C3275408, MONDO:0010429, OMIM 300802.

Submission:

Victorian Clinical Genetics Services, Murdoch Childrens Research Institute
Classification: Likely pathogenic for Intellectual developmental disorder, X-linked 96. Last evaluated: 2025-09-01. Review status: criteria provided, single submitter. Criteria: ACMG Guidelines, 2015. Collection method: clinical testing. Allele origin: germline. Affected: yes.
Comment: This variant is classified as Likely pathogenic. Evidence in support of pathogenic classification: Canonical splice site variant without proven consequence on splicing (no functional evidence available); Variant is absent from gnomAD (v2, v3 and v4); This variant has limited previous evidence of pathogenicity. Abnormal splicing is predicted by in silico tools and affected nucleotide is highly conserved. Additional information: This variant is hemizygous; This gene is associated with X-linked disease; No published segregation evidence has been identified for this variant; No published functional evidence has been identified for this variant; No comparable canonical splice site variants have previous evidence for pathogenicity; Loss of function is a likely mechanism of disease in this gene and is associated with X-linked intellectual disability 96 (MIM#300802); Variants in this gene are known to have variable expressivity. Families with truncation variants had milder intellectual disability (PMID: 19377476); Inheritance information for this variant is not currently available in this individual.

Literature cited by the submitters: PubMed 19377476.